The following is an entry in ClinVar:

ClinVar aggregate classification (germline): Conflicting classifications of pathogenicity. Review status: criteria provided, conflicting classifications (1 of 4 stars). 3 submissions from 3 submitters: Likely pathogenic (1); Uncertain significance (2). Last evaluated 2025-12-08.

Conditions:
Cardiac arrhythmia. Also called: Cardiac rhythm disease; Arrhythmia. Identifiers: MedGen C0003811, MONDO:0007263, HP:0011675.
Long QT syndrome (LQTS). Identifiers: MedGen C0023976, MeSH D008133, MONDO:0002442. Disease mechanism: loss of function. Inheritance: Various modes of inheritance.
Cardiovascular phenotype. Identifiers: MedGen CN230736.

Submissions (3):

Labcorp Genetics (formerly Invitae), Labcorp
Classification: Uncertain significance for Long QT syndrome. Last evaluated: 2025-12-08. Review status: criteria provided, single submitter. Criteria: Invitae Variant Classification Sherloc (09022015). Collection method: clinical testing. Allele origin: germline.
Comment: This sequence change replaces alanine, which is neutral and non-polar, with threonine, which is neutral and polar, at codon 448 of the KCNH2 protein (p.Ala448Thr). This variant is not present in population databases (gnomAD no frequency). This missense change has been observed in individual(s) with personal and/or family history of long QT syndrome (PMID: 22727609). ClinVar contains an entry for this variant (Variation ID: 924051). An algorithm developed to predict the effect of missense changes on protein structure and function outputs the following: PolyPhen-2: "Benign". The threonine amino acid residue is found in multiple mammalian species, which suggests that this missense change does not adversely affect protein function. In summary, the available evidence is currently insufficient to determine the role of this variant in disease. Therefore, it has been classified as a Variant of Uncertain Significance.

Color Diagnostics, LLC DBA Color Health
Classification: Uncertain significance for Cardiac arrhythmia. Last evaluated: 2025-10-07. Review status: criteria provided, single submitter. Criteria: ACMG Guidelines, 2015. Collection method: clinical testing. Allele origin: germline.
Comment: This missense variant replaces alanine with threonine at codon 448 of the KCNH2 protein. Computational prediction is inconclusive regarding the impact of this variant on protein structure and function. To our knowledge, functional studies have not been performed for this variant. This variant has been reported in a family affected with long QT syndrome (PMID: 22727609). This variant has not been identified in the general population by the Genome Aggregation Database (gnomAD). The available evidence is insufficient to determine the role of this variant in disease conclusively. Therefore, this variant is classified as a Variant of Uncertain Significance.

Molecular Diagnostic Laboratory for Inherited Cardiovascular Disease, Montreal Heart Institute
Classification: Likely pathogenic for Cardiovascular phenotype. Last evaluated: 2021-08-27. Review status: criteria provided, single submitter. Criteria: ACMG Guidelines, 2015. Collection method: clinical testing. Allele origin: germline. Affected: yes.

Literature cited by the submitters: PubMed 22727609 (cited by Labcorp Genetics (formerly Invitae), Labcorp and Color Diagnostics, LLC DBA Color Health).

NM_000238.4(KCNH2):c.1342G>A (p.Ala448Thr)

Gene: KCNH2 (potassium voltage-gated channel subfamily H member 2; minus strand). Cytogenetic location: 7q36.1.
Variant type: single nucleotide variant.
Coding change: c.1342G>A on transcript NM_000238.4 (MANE Select); coding-DNA position 1342, G replaced by A.
Protein change: p.Ala448Thr; replaces alanine 448 with threonine.
Molecular consequence: missense variant.
Genome position (GRCh38, 1-based): chr7:150,952,640, C>T on the plus strand (G>A on the coding strand, the complement: KCNH2 is on the minus strand). VCF-style: chr7-150952640-C-T. GRCh37 (hg19) VCF-style: chr7-150649728-C-T.
Other names: c.322G>A, p.Ala108Thr (NM_001204798.2, NM_172057.3); c.1054G>A, p.Ala352Thr (NM_001406753.1, NM_001406756.1); c.1165G>A, p.Ala389Thr (NM_001406755.1); c.1042G>A, p.Ala348Thr (NM_001406757.1); c.1342G>A, p.Ala448Thr (NM_172056.3); short protein forms A108T, A448T, A348T, A352T, A389T.
Identifiers: ClinVar variation 924051 (VCV000924051.12), dbSNP rs767723985, ClinGen allele CA369859952.